The following is an entry in ClinVar:

NM_000108.5(DLD):c.684+1G>T

Gene: DLD (dihydrolipoamide dehydrogenase; plus strand). Cytogenetic location: 7q31.1.
Variant type: single nucleotide variant.
Coding change: c.684+1G>T on transcript NM_000108.5 (MANE Select); the canonical splice donor site of the intron after coding-DNA position 684, G replaced by T.
Molecular consequence: splice donor variant.
Genome position (GRCh38, 1-based): chr7:107,906,369, G>T. VCF-style: chr7-107906369-G-T. GRCh37 (hg19) VCF-style: chr7-107546814-G-T.
Other names: c.540+1G>T (NM_001289752.1); c.615+1G>T (NM_001289751.1); c.387+1G>T (NM_001289750.1).
Identifiers: ClinVar variation 800815 (VCV000800815.7), dbSNP rs780025714, ClinGen allele CA4434532.

ClinVar aggregate classification (germline): Likely pathogenic. Review status: criteria provided, multiple submitters, no conflicts (2 of 4 stars). 3 submissions from 3 submitters: Likely pathogenic (2). 1 of the submissions does not count toward it. Last evaluated 2024-05-23.

Conditions:
Pyruvate dehydrogenase E3 deficiency (DLDD). Also called: DLD DEFICIENCY; E3 DEFICIENCY; Lipoamide dehydrogenase deficiency; Dihydrolipoamide Dehydrogenase E3 Deficiency; Dihydrolipoamide Dehydrogenase (E3) Deficiency; Lipoamide dehydrogenase deficiency, lactic acidosis due to. Identifiers: Orphanet 2394, Orphanet 765, MedGen C5574660, MONDO:0009529, OMIM 246900.

Allele frequency attached by ClinVar (database versions not stated): ExAC 0.00001; gnomAD exomes 0.00001.

Submissions (3):

Fulgent Genetics
Classification: Likely pathogenic for Pyruvate dehydrogenase E3 deficiency. Last evaluated: 2024-05-23. Review status: criteria provided, single submitter. Criteria: ACMG Guidelines, 2015. Collection method: clinical testing. Allele origin: germline.

Labcorp Genetics (formerly Invitae), Labcorp
Classification: Likely pathogenic for Pyruvate dehydrogenase E3 deficiency. Last evaluated: 2022-08-20. Review status: criteria provided, single submitter. Criteria: Invitae Variant Classification Sherloc (09022015). Collection method: clinical testing. Allele origin: germline.
Comment: ClinVar contains an entry for this variant (Variation ID: 800815). This variant has not been reported in the literature in individuals affected with DLD-related conditions. This variant is present in population databases (rs780025714, gnomAD 0.003%). This sequence change affects a donor splice site in intron 8 of the DLD gene. It is expected to disrupt RNA splicing. Variants that disrupt the donor or acceptor splice site typically lead to a loss of protein function (PMID: 16199547), and loss-of-function variants in DLD are known to be pathogenic (PMID: 8968745, 9934985). Algorithms developed to predict the effect of sequence changes on RNA splicing suggest that this variant may disrupt the consensus splice site. In summary, the currently available evidence indicates that the variant is pathogenic, but additional data are needed to prove that conclusively. Therefore, this variant has been classified as Likely Pathogenic.

Biochemical Molecular Genetic Laboratory, King Abdulaziz Medical City
Classification: Likely pathogenic for Pyruvate dehydrogenase E3 deficiency. Last evaluated: 2019-08-25. Review status: no assertion criteria provided. Collection method: clinical testing. Allele origin: germline. Affected: yes. Not counted in ClinVar's aggregate classification.

Literature cited by the submitters: PubMed 16199547 (cited by Labcorp Genetics (formerly Invitae), Labcorp); PubMed 8968745 (cited by Labcorp Genetics (formerly Invitae), Labcorp); PubMed 9934985 (cited by Labcorp Genetics (formerly Invitae), Labcorp).